The following is an entry in ClinVar:

ClinVar aggregate classification (germline): Uncertain significance (1 of 4 stars; one submission).

Conditions:
Cardiovascular phenotype. Identifiers: MedGen CN230736.

Submission:

Ambry Genetics
Classification: Uncertain significance for Cardiovascular phenotype. Last evaluated: 2024-02-03. Review status: criteria provided, single submitter. Criteria: Ambry Variant Classification Scheme 2023. Collection method: clinical testing. Allele origin: germline.
Comment: The p.D3103N variant (also known as c.9307G>A), located in coding exon 2 of the ZNF469 gene, results from a G to A substitution at nucleotide position 9307. The aspartic acid at codon 3103 is replaced by asparagine, an amino acid with highly similar properties. This amino acid position is conserved. In addition, this alteration is predicted to be tolerated by in silico analysis. Based on the available evidence, the clinical significance of this alteration remains unclear.

NM_001367624.2(ZNF469):c.9391G>A (p.Asp3131Asn)

Gene: ZNF469 (zinc finger protein 469; plus strand). Cytogenetic location: 16q24.2.
Variant type: single nucleotide variant.
Coding change: c.9391G>A on transcript NM_001367624.2 (MANE Select); coding-DNA position 9391, G replaced by A.
Protein change: p.Asp3131Asn; replaces aspartic acid 3131 with asparagine.
Molecular consequence: missense variant.
Genome position (GRCh38, 1-based): chr16:88,436,861, G>A. VCF-style: chr16-88436861-G-A. GRCh37 (hg19) VCF-style: chr16-88503269-G-A.
Other names: NM_001127464.1:c.9307G>A; short protein forms D3131N.
Identifiers: ClinVar variation 3232881 (VCV003232881.1), dbSNP rs2507602838, ClinGen allele CA397122103.